The following is an entry in ClinVar:

NM_014956.5(CEP164):c.3722A>T (p.His1241Leu)

Gene: CEP164 (centrosomal protein 164; plus strand). Cytogenetic location: 11q23.3.
Variant type: single nucleotide variant.
Coding change: c.3722A>T on transcript NM_014956.5 (MANE Select); coding-DNA position 3722, A replaced by T.
Protein change: p.His1241Leu; replaces histidine 1241 with leucine.
Molecular consequence: missense variant.
Genome position (GRCh38, 1-based): chr11:117,409,002, A>T. VCF-style: chr11-117409002-A-T. GRCh37 (hg19) VCF-style: chr11-117279718-A-T.
Other names: c.3731A>T, p.His1244Leu (NM_001271933.2); short protein forms H1241L, H1244L.
Identifiers: ClinVar variation 2765722 (VCV002765722.3), dbSNP rs2542698114, ClinGen allele CA382742631.

ClinVar aggregate classification (germline): Uncertain significance (1 of 4 stars; one submission).

Conditions:
Nephronophthisis 15 (NPHP15). Identifiers: Orphanet 3156, MedGen C3541853, MONDO:0013917, OMIM 614845.

Submission:

Labcorp Genetics (formerly Invitae), Labcorp
Classification: Uncertain significance for Nephronophthisis 15. Last evaluated: 2023-10-05. Review status: criteria provided, single submitter. Criteria: Invitae Variant Classification Sherloc (09022015). Collection method: clinical testing. Allele origin: germline.
Comment: This sequence change replaces histidine, which is basic and polar, with leucine, which is neutral and non-polar, at codon 1241 of the CEP164 protein (p.His1241Leu). This variant is not present in population databases (gnomAD no frequency). This variant has not been reported in the literature in individuals affected with CEP164-related conditions. Advanced modeling of protein sequence and biophysical properties (such as structural, functional, and spatial information, amino acid conservation, physicochemical variation, residue mobility, and thermodynamic stability) performed at Invitae indicates that this missense variant is not expected to disrupt CEP164 protein function. In summary, the available evidence is currently insufficient to determine the role of this variant in disease. Therefore, it has been classified as a Variant of Uncertain Significance.